The following is an entry in ClinVar:

NM_031475.3(ESPN):c.241G>A (p.Gly81Ser)

Gene: ESPN (espin; plus strand). Cytogenetic location: 1p36.31.
Variant type: single nucleotide variant.
Coding change: c.241G>A on transcript NM_031475.3 (MANE Select); coding-DNA position 241, G replaced by A.
Protein change: p.Gly81Ser; replaces glycine 81 with serine.
Molecular consequence: missense variant.
Genome position (GRCh38, 1-based): chr1:6,425,196, G>A. VCF-style: chr1-6425196-G-A. GRCh37 (hg19) VCF-style: chr1-6485256-G-A.
Other names: c.241G>A, p.Gly81Ser (NM_001367473.1, NM_001367474.1); short protein forms G81S.
Identifiers: ClinVar variation 452345 (VCV000452345.3), dbSNP rs768679881, ClinGen allele CA559834.

ClinVar aggregate classification (germline): Uncertain significance. Review status: criteria provided, multiple submitters, no conflicts (2 of 4 stars). 2 submissions from 2 submitters: Uncertain significance (2). Last evaluated 2025-10-14.

Conditions:
Inborn genetic diseases. Identifiers: MedGen C0950123, MeSH D030342.

Allele frequency attached by ClinVar (database versions not stated): gnomAD 0.00001; gnomAD exomes below 0.00001; ExAC 0.00007; TOPMed 0.00003.
gnomAD v4.1: 3 of 1,545,052 alleles (0.00019%); highest among the groups gnomAD compares: Middle Eastern, 0.023%; no homozygotes.

Submissions (2):

Ambry Genetics
Classification: Uncertain significance for Inborn genetic diseases. Last evaluated: 2025-10-14. Review status: criteria provided, single submitter. Criteria: Ambry Variant Classification Scheme 2023. Collection method: clinical testing. Allele origin: germline.

GeneDx
Classification: Uncertain significance. Last evaluated: 2017-10-19. Review status: criteria provided, single submitter. Criteria: GeneDx Variant Classification (06012015). Collection method: clinical testing. Allele origin: germline. Affected: yes.
Comment: The G81S variant has not been published as a pathogenic variant, nor has it been reported as a benign variant to our knowledge. The variant is not observed in large population cohorts (Lek et al., 2016). (Lek et al., 2016). G81S is a non-conservative amino acid substitution, which is likely to impact secondary protein structure as these residues differ in polarity, charge, size and/or other properties. This substitution occurs at a position that is conserved across species, and in silico analysis predicts this variant is probably damaging to the protein structure/function. In summary, based on the currently available information, it is unclear whether this variant is a pathogenic variant or a rare benign variant.